The following is an entry in ClinVar:

NM_000051.4(ATM):c.4328A>C (p.His1443Pro)

Gene: ATM (ATM serine/threonine kinase; plus strand). Cytogenetic location: 11q22.3.
Variant type: single nucleotide variant.
Coding change: c.4328A>C on transcript NM_000051.4 (MANE Select); coding-DNA position 4328, A replaced by C.
Protein change: p.His1443Pro; replaces histidine 1443 with proline.
Molecular consequence: missense variant.
Genome position (GRCh38, 1-based): chr11:108,289,693, A>C. VCF-style: chr11-108289693-A-C. GRCh37 (hg19) VCF-style: chr11-108160420-A-C.
Other names: c.4328A>C, p.His1443Pro (NM_001351834.2); short protein forms H1443P.
Identifiers: ClinVar variation 2095727 (VCV002095727.4), dbSNP rs2135762131, ClinGen allele CA382531883.
Genomic context (GRCh38, chr11:108,289,693, plus strand): 5'-GTGAGCAAGCAGCTGAAACAAATAATGTTTATAAGAAGCACAGAATTCTTAAAATATATC[A>C]CCTGTTTGTTAGTTTATTACTGAAAGATATAAAAAGTGGCTTAGGAGGAGCTTGGGCCTT-3'
Protein context (NP_000042.3, residues 1433-1453): YKKHRILKIY[His1443Pro]LFVSLLLKDI

ClinVar aggregate classification (germline): Uncertain significance (1 of 4 stars; one submission).

Conditions:
Ataxia-telangiectasia syndrome (AT). Also called: Ataxia-telangiectasia, complementation group D; AT, COMPLEMENTATION GROUP C; ATAXIA-TELANGIECTASIA, COMPLEMENTATION GROUP A; ATAXIA-TELANGIECTASIA, FRESNO VARIANT; Ataxia telangiectasia (A-T); Ataxia-telangiectasia. Identifiers: Orphanet 100, MedGen C0004135, MONDO:0008840, OMIM 208900.

Submission:

Labcorp Genetics (formerly Invitae), Labcorp
Classification: Uncertain significance for Ataxia-telangiectasia syndrome. Last evaluated: 2023-12-14. Review status: criteria provided, single submitter. Criteria: Invitae Variant Classification Sherloc (09022015). Collection method: clinical testing. Allele origin: germline.
Comment: This sequence change replaces histidine, which is basic and polar, with proline, which is neutral and non-polar, at codon 1443 of the ATM protein (p.His1443Pro). This variant is not present in population databases (gnomAD no frequency). This variant has not been reported in the literature in individuals affected with ATM-related conditions. ClinVar contains an entry for this variant (Variation ID: 2095727). An algorithm developed to predict the effect of missense changes on protein structure and function (PolyPhen-2) suggests that this variant is likely to be disruptive. In summary, the available evidence is currently insufficient to determine the role of this variant in disease. Therefore, it has been classified as a Variant of Uncertain Significance.